The following is an entry in ClinVar:

NM_021625.5(TRPV4):c.1600A>G (p.Met534Val)

Gene: TRPV4 (transient receptor potential cation channel subfamily V member 4; minus strand). Cytogenetic location: 12q24.11.
Variant type: single nucleotide variant.
Coding change: c.1600A>G on transcript NM_021625.5 (MANE Select); coding-DNA position 1600, A replaced by G.
Protein change: p.Met534Val; replaces methionine 534 with valine.
Molecular consequence: missense variant.
Genome position (GRCh38, 1-based): chr12:109,793,585, T>C on the plus strand (A>G on the coding strand, the complement: TRPV4 is on the minus strand). VCF-style: chr12-109793585-T-C. GRCh37 (hg19) VCF-style: chr12-110231390-T-C.
Other names: c.1459A>G, p.Met487Val (NM_001177428.2); c.1498A>G, p.Met500Val (NM_001177431.2); c.1279A>G, p.Met427Val (NM_001177433.2); c.1420A>G, p.Met474Val (NM_147204.3); short protein forms M427V, M474V, M487V, M500V, M534V.
Identifiers: ClinVar variation 1014003 (VCV001014003.8), dbSNP rs761079651, ClinGen allele CA243462831.

ClinVar aggregate classification (germline): Uncertain significance (1 of 4 stars; one submission).

Conditions:
Charcot-Marie-Tooth disease axonal type 2C (HMSN2C). Also called: Charcot-Marie-Tooth Disease Type 2, TRPV4-Related (CMT2C); CHARCOT-MARIE-TOOTH DISEASE, AXONAL, AUTOSOMAL DOMINANT, TYPE 2C; Charcot-Marie-Tooth Neuropathy Type 2C. Identifiers: Orphanet 99937, MedGen C1853710, MONDO:0011633, OMIM 606071.

Allele frequency attached by ClinVar (database versions not stated): gnomAD exomes below 0.00001; gnomAD 0.00001; TOPMed 0.00001.
gnomAD v4.1: 8 of 1,613,740 alleles (0.0005%); highest among the groups gnomAD compares: African/African-American, 0.0013%; no homozygotes.

Submission:

Labcorp Genetics (formerly Invitae), Labcorp
Classification: Uncertain significance for Charcot-Marie-Tooth disease axonal type 2C. Last evaluated: 2024-02-08. Review status: criteria provided, single submitter. Criteria: Invitae Variant Classification Sherloc (09022015). Collection method: clinical testing. Allele origin: germline.
Comment: This sequence change replaces methionine, which is neutral and non-polar, with valine, which is neutral and non-polar, at codon 534 of the TRPV4 protein (p.Met534Val). This variant is not present in population databases (gnomAD no frequency). This variant has not been reported in the literature in individuals affected with TRPV4-related conditions. ClinVar contains an entry for this variant (Variation ID: 1014003). Advanced modeling of protein sequence and biophysical properties (such as structural, functional, and spatial information, amino acid conservation, physicochemical variation, residue mobility, and thermodynamic stability) performed at Invitae indicates that this missense variant is not expected to disrupt TRPV4 protein function with a negative predictive value of 95%. In summary, the available evidence is currently insufficient to determine the role of this variant in disease. Therefore, it has been classified as a Variant of Uncertain Significance.